The following is an entry in ClinVar:

ClinVar aggregate classification (germline): Likely benign (1 of 4 stars; one submission).

Conditions:
Juvenile polyposis syndrome (JPS). Identifiers: Orphanet 2929, MedGen C0345893, MONDO:0017380, OMIM 174900.

Submission:

Myriad Genetics, Inc.
Classification: Likely benign for Juvenile polyposis syndrome. Last evaluated: 2024-08-08. Review status: criteria provided, single submitter. Criteria: Myriad Autosomal Dominant, Autosomal Recessive and X-Linked Classification Criteria (2023). Collection method: clinical testing. Allele origin: unknown.
Comment: This variant is considered likely benign. This variant is intronic and is not expected to impact mRNA splicing.

NM_004329.3(BMPR1A):c.1473+8G>T

Gene: BMPR1A (bone morphogenetic protein receptor type 1A; plus strand). Cytogenetic location: 10q23.2.
Variant type: single nucleotide variant.
Coding change: c.1473+8G>T on transcript NM_004329.3 (MANE Select); 8 bases into the intron after coding-DNA position 1473, G replaced by T.
Molecular consequence: intron variant.
Genome position (GRCh38, 1-based): chr10:86,923,514, G>T. VCF-style: chr10-86923514-G-T. GRCh37 (hg19) VCF-style: chr10-88683271-G-T.
Other names: c.1473+8G>T (NM_001406568.1, NM_001406567.1, NM_001406564.1 and 19 more transcripts); c.1389+8G>T (NM_001406584.1, NM_001406588.1, NM_001406587.1 and 2 more transcripts); c.1521+8G>T (NM_001406560.1); c.1548+8G>T (NM_001406559.1); c.1467+8G>T (NM_001406583.1); c.1131+8G>T (NM_001406589.1).
Identifiers: ClinVar variation 3378505 (VCV003378505.1).